The following is an entry in ClinVar:

NM_000368.5(TSC1):c.508+1G>A

Gene: TSC1 (TSC complex subunit 1; minus strand). Cytogenetic location: 9q34.13.
Variant type: single nucleotide variant.
Coding change: c.508+1G>A on transcript NM_000368.5 (MANE Select); the canonical splice donor site of the intron after coding-DNA position 508, G replaced by A.
Molecular consequence: splice donor variant.
Genome position (GRCh38, 1-based): chr9:132,923,347, C>T on the plus strand (G>A on the coding strand, the complement: TSC1 is on the minus strand). VCF-style: chr9-132923347-C-T. GRCh37 (hg19) VCF-style: chr9-135798734-C-T.
Other names: c.508+1G>A (NM_001406598.1, NM_001406607.1, NM_001406593.1 and 16 more transcripts); c.145+1G>A (NM_001406622.1, NM_001362177.2, NM_001406614.1 and 10 more transcripts); c.355+1G>A (NM_001406611.1, NM_001162427.2, NM_001406613.1 and 2 more transcripts); c.-370+1G>A (NM_001406628.1, NM_001406626.1, NM_001406627.1); c.-586+1G>A (NM_001406630.1); c.-512+1G>A (NM_001406629.1).
Identifiers: ClinVar variation 64738 (VCV000064738.2), dbSNP rs118203390, ClinGen allele CA007652.

ClinVar aggregate classification (germline): Pathogenic. Review status: criteria provided, single submitter (1 of 4 stars). 2 submissions from 2 submitters: Pathogenic (1). 1 of the submissions does not count toward it. Last evaluated 2022-07-12.

Conditions:
Tuberous sclerosis 1 (TSC1). Identifiers: Orphanet 805, MedGen C1854465, MONDO:0008612, OMIM 191100.
Tuberous sclerosis syndrome (TSC). Also called: Tuberous sclerosis; Tuberous Sclerosis Complex. Identifiers: Orphanet 805, MedGen C0041341, MONDO:0001734.

Submissions (2):

St. Jude Molecular Pathology, St. Jude Children's Research Hospital
Classification: Pathogenic for Tuberous sclerosis 1. Last evaluated: 2022-07-12. Review status: criteria provided, single submitter. Criteria: St. Jude Assertion Criteria 2020. Collection method: clinical testing. Allele origin: germline. Affected: yes.
Comment: The TSC1 c.508+1G>A intronic change results in a G to A substitution at the +1 position of intron 6 of the TSC1 gene. This variant is predicted to result in loss of the native splice donor site and abnormal gene splicing, resulting in nonsense-mediated decay or an abnormal protein product. This variant has been identified in individuals with tuberous sclerosis complex (PMID: 31525612, internal data). It is absent in gnomAD v2.1.1. In summary, this variant meets criteria to be classified as pathogenic.

Tuberous sclerosis database (TSC1)
No classification provided. Condition: TSC. Review status: no classification provided. Criteria: Tuberous Sclerosis Database Assertion Criteria 2015. Collection method: curation. Allele origin: germline. Affected: yes. Not counted in ClinVar's aggregate classification.